The following is an entry in ClinVar:

ClinVar aggregate classification (germline): Uncertain significance (1 of 4 stars; one submission).

Allele frequency attached by ClinVar (database versions not stated): gnomAD 0.00001; TOPMed 0.00001; ExAC 0.00002; gnomAD exomes 0.00002.
gnomAD v4.1: 26 of 1,613,832 alleles (0.0016%); highest among the groups gnomAD compares: Admixed American, 0.0067%; no homozygotes.

Submission:

Labcorp Genetics (formerly Invitae), Labcorp
Classification: Uncertain significance. Last evaluated: 2023-01-13. Review status: criteria provided, single submitter. Criteria: Invitae Variant Classification Sherloc (09022015). Collection method: clinical testing. Allele origin: germline.
Comment: In summary, the available evidence is currently insufficient to determine the role of this variant in disease. Therefore, it has been classified as a Variant of Uncertain Significance. Advanced modeling of protein sequence and biophysical properties (such as structural, functional, and spatial information, amino acid conservation, physicochemical variation, residue mobility, and thermodynamic stability) performed at Invitae indicates that this missense variant is not expected to disrupt ATPAF2 protein function. This variant has not been reported in the literature in individuals affected with ATPAF2-related conditions. This variant is present in population databases (rs770220909, gnomAD 0.01%). This sequence change replaces isoleucine, which is neutral and non-polar, with valine, which is neutral and non-polar, at codon 140 of the ATPAF2 protein (p.Ile140Val).

NM_145691.4(ATPAF2):c.418A>G (p.Ile140Val)

Gene: ATPAF2 (ATP synthase mitochondrial F1 complex assembly factor 2; minus strand). Cytogenetic location: 17p11.2.
Variant type: single nucleotide variant.
Coding change: c.418A>G on transcript NM_145691.4 (MANE Select); coding-DNA position 418, A replaced by G.
Protein change: p.Ile140Val; replaces isoleucine 140 with valine.
Molecular consequence: missense variant.
Genome position (GRCh38, 1-based): chr17:18,026,323, T>C on the plus strand (A>G on the coding strand, the complement: ATPAF2 is on the minus strand). VCF-style: chr17-18026323-T-C. GRCh37 (hg19) VCF-style: chr17-17929637-T-C.
Other names: short protein forms I140V.
Identifiers: ClinVar variation 2072902 (VCV002072902.4), dbSNP rs770220909, ClinGen allele CA8421881.